The following is an entry in ClinVar:

ClinVar aggregate classification (germline): Uncertain significance (1 of 4 stars; one submission).

Conditions:
Thrombomodulin-related bleeding disorder (THPH12). Also called: Thrombophilia due to thrombomodulin defect. Identifiers: Orphanet 436169, MedGen C3280976, MONDO:0013775, OMIM 614486.

Submission:

Genomenon, Inc
Classification: Uncertain significance for Thrombomodulin-related bleeding disorder. Last evaluated: 2025-09-22. Review status: criteria provided, single submitter. Criteria: Genomenon Sequence Variant Interpretation Standards - Updated. Collection method: curation. Allele origin: germline. Affected: no.
Comment: THBD p.Gln383His (c.1149A>C) is a missense variant that changes the amino acid at residue 383 from Glutamine to Histidine. This variant has been reported in the published literature (PMID:29566171). It is absent or not present at a significant frequency in gnomAD. In silico models agree that this variant is not damaging. In conclusion, we classify THBD p.Gln383His (c.1149A>C) as a variant of unknown significance.

Literature cited by the submitters: PubMed 29566171.

NM_000361.3(THBD):c.1149A>C (p.Gln383His)

Gene: THBD (thrombomodulin; minus strand). Cytogenetic location: 20p11.21.
Variant type: single nucleotide variant.
Coding change: c.1149A>C on transcript NM_000361.3 (MANE Select); coding-DNA position 1149, A replaced by C.
Protein change: p.Gln383His; replaces glutamine 383 with histidine.
Molecular consequence: missense variant.
Genome position (GRCh38, 1-based): chr20:23,048,356, T>G on the plus strand (A>C on the coding strand, the complement: THBD is on the minus strand). VCF-style: chr20-23048356-T-G. GRCh37 (hg19) VCF-style: chr20-23028993-T-G.
Other names: short protein forms Q383H.
Identifiers: ClinVar variation 4280588 (VCV004280588.1).